The following is an entry in ClinVar:

NM_000824.5(GLRB):c.49G>A (p.Val17Met)

Gene: GLRB (glycine receptor beta; plus strand). Cytogenetic location: 4q32.1.
Variant type: single nucleotide variant.
Coding change: c.49G>A on transcript NM_000824.5 (MANE Select); coding-DNA position 49, G replaced by A.
Protein change: p.Val17Met; replaces valine 17 with methionine.
Molecular consequence: missense variant.
Genome position (GRCh38, 1-based): chr4:157,078,073, G>A. VCF-style: chr4-157078073-G-A. GRCh37 (hg19) VCF-style: chr4-157999225-G-A.
Other names: c.49G>A, p.Val17Met (NM_001166060.2, NM_001166061.2); short protein forms V17M.
Identifiers: ClinVar variation 1480671 (VCV001480671.8), dbSNP rs760529205, ClinGen allele CA3119640.

ClinVar aggregate classification (germline): Uncertain significance (1 of 4 stars; one submission).

Conditions:
Hyperekplexia 2 (HKPX2). Identifiers: Orphanet 3197, MedGen C3553291, MONDO:0013828, OMIM 614619.

Allele frequency attached by ClinVar (database versions not stated): gnomAD exomes below 0.00001; ExAC 0.00001.
gnomAD v4.1: 2 of 1,610,738 alleles (0.00012%); highest among the groups gnomAD compares: Admixed American, 0.0017%; no homozygotes.

Submission:

Labcorp Genetics (formerly Invitae), Labcorp
Classification: Uncertain significance for Hyperekplexia 2. Last evaluated: 2024-02-17. Review status: criteria provided, single submitter. Criteria: Invitae Variant Classification Sherloc (09022015). Collection method: clinical testing. Allele origin: germline.
Comment: This sequence change replaces valine, which is neutral and non-polar, with methionine, which is neutral and non-polar, at codon 17 of the GLRB protein (p.Val17Met). This variant is present in population databases (rs760529205, gnomAD 0.003%). This variant has not been reported in the literature in individuals affected with GLRB-related conditions. ClinVar contains an entry for this variant (Variation ID: 1480671). Advanced modeling of protein sequence and biophysical properties (such as structural, functional, and spatial information, amino acid conservation, physicochemical variation, residue mobility, and thermodynamic stability) performed at Invitae indicates that this missense variant is not expected to disrupt GLRB protein function with a negative predictive value of 95%. In summary, the available evidence is currently insufficient to determine the role of this variant in disease. Therefore, it has been classified as a Variant of Uncertain Significance.